The following is an entry in ClinVar:

NM_001111125.3(IQSEC2):c.1561G>A (p.Asp521Asn)

Gene: IQSEC2 (IQ motif and Sec7 domain ArfGEF 2; minus strand). Cytogenetic location: Xp11.22.
Variant type: single nucleotide variant.
Coding change: c.1561G>A on transcript NM_001111125.3 (MANE Select); coding-DNA position 1561, G replaced by A.
Protein change: p.Asp521Asn; replaces aspartic acid 521 with asparagine.
Molecular consequence: missense variant.
Genome position (GRCh38, 1-based): chrX:53,251,015, C>T on the plus strand (G>A on the coding strand, the complement: IQSEC2 is on the minus strand). VCF-style: chrX-53251015-C-T. GRCh37 (hg19) VCF-style: chrX-53280197-C-T.
Other names: c.946G>A, p.Asp316Asn (NM_015075.2); c.1561G>A, p.Asp521Asn (NM_001410736.1); short protein forms D521N, D316N.
Identifiers: ClinVar variation 2837471 (VCV002837471.3), dbSNP rs2519809175, ClinGen allele CA413165472.

ClinVar aggregate classification (germline): Uncertain significance (1 of 4 stars; one submission).

Conditions:
Intellectual developmental disorder, X-linked 1. Also called: Atkin Flaitz Patil Smith syndrome; Intellectual disability, X-linked 1; MENTAL RETARDATION, X-LINKED 18; MENTAL RETARDATION, X-LINKED 78. Identifiers: Orphanet 777, MedGen C2931498, MONDO:0010656, OMIM 309530.

Submission:

Labcorp Genetics (formerly Invitae), Labcorp
Classification: Uncertain significance for Intellectual developmental disorder, X-linked 1. Last evaluated: 2023-02-14. Review status: criteria provided, single submitter. Criteria: Invitae Variant Classification Sherloc (09022015). Collection method: clinical testing. Allele origin: germline.
Comment: This sequence change replaces aspartic acid, which is acidic and polar, with asparagine, which is neutral and polar, at codon 521 of the IQSEC2 protein (p.Asp521Asn). In summary, the available evidence is currently insufficient to determine the role of this variant in disease. Therefore, it has been classified as a Variant of Uncertain Significance. Advanced modeling of protein sequence and biophysical properties (such as structural, functional, and spatial information, amino acid conservation, physicochemical variation, residue mobility, and thermodynamic stability) performed at Invitae indicates that this missense variant is not expected to disrupt IQSEC2 protein function. This variant has not been reported in the literature in individuals affected with IQSEC2-related conditions. This variant is not present in population databases (gnomAD no frequency).